The following is an entry in ClinVar:

NM_000264.5(PTCH1):c.298A>G (p.Lys100Glu)

Gene: PTCH1 (patched 1; minus strand). Cytogenetic location: 9q22.32.
Variant type: single nucleotide variant.
Coding change: c.298A>G on transcript NM_000264.5 (MANE Select); coding-DNA position 298, A replaced by G.
Protein change: p.Lys100Glu; replaces lysine 100 with glutamic acid.
Molecular consequence: missense variant. On other transcripts: 5 prime UTR variant (4), non-coding transcript variant (1).
Genome position (GRCh38, 1-based): chr9:95,506,503, T>C on the plus strand (A>G on the coding strand, the complement: PTCH1 is on the minus strand). VCF-style: chr9-95506503-T-C. GRCh37 (hg19) VCF-style: chr9-98268785-T-C.
Other names: c.100A>G, p.Lys34Glu (NM_001083602.3, NM_001354919.2); c.295A>G, p.Lys99Glu (NM_001083603.3); c.-156A>G (NM_001083604.3, NM_001083605.3, NM_001083606.3 and 1 more transcripts); c.298A>G, p.Lys100Glu (NM_001354918.2); short protein forms K99E, K100E, K34E.
Identifiers: ClinVar variation 3784622 (VCV003784622.1).

ClinVar aggregate classification (germline): Uncertain significance (1 of 4 stars; one submission).

Conditions:
Hereditary cancer-predisposing syndrome. Also called: Neoplastic Syndromes, Hereditary; Hereditary Cancer Syndrome; Tumor predisposition; Hereditary neoplastic syndrome. Identifiers: Orphanet 140162, MedGen C0027672, MeSH D009386, MONDO:0015356.

Submission:

Ambry Genetics
Classification: Uncertain significance for Hereditary cancer-predisposing syndrome. Last evaluated: 2024-12-25. Review status: criteria provided, single submitter. Criteria: Ambry Variant Classification Scheme 2023. Collection method: clinical testing. Allele origin: germline.
Comment: The p.K100E variant (also known as c.298A>G), located in coding exon 2 of the PTCH1 gene, results from an A to G substitution at nucleotide position 298. The lysine at codon 100 is replaced by glutamic acid, an amino acid with similar properties. This amino acid position is conserved. In addition, this alteration is predicted to be deleterious by in silico analysis. Based on the available evidence, the clinical significance of this variant remains unclear.